The following is an entry in ClinVar:

ClinVar aggregate classification (germline): Uncertain significance (1 of 4 stars; one submission).

Submission:

GeneDx
Classification: Uncertain significance. Last evaluated: 2022-11-04. Review status: criteria provided, single submitter. Criteria: GeneDx Variant Classification Process June 2021. Collection method: clinical testing. Allele origin: germline. Affected: yes.
Comment: Not observed at significant frequency in large population cohorts (gnomAD); In silico analysis supports that this missense variant has a deleterious effect on protein structure/function; Has not been previously published as pathogenic or benign to our knowledge

NM_001378183.1(PIEZO2):c.1856T>A (p.Ile619Asn)

Gene: PIEZO2 (piezo type mechanosensitive ion channel component 2; minus strand). Cytogenetic location: 18p11.22.
Variant type: single nucleotide variant.
Coding change: c.1856T>A on transcript NM_001378183.1 (MANE Select); coding-DNA position 1856, T replaced by A.
Protein change: p.Ile619Asn; replaces isoleucine 619 with asparagine.
Molecular consequence: missense variant.
Genome position (GRCh38, 1-based): chr18:10,791,227, A>T on the plus strand (T>A on the coding strand, the complement: PIEZO2 is on the minus strand). VCF-style: chr18-10791227-A-T. GRCh37 (hg19) VCF-style: chr18-10791225-A-T.
Other names: c.1856T>A, p.Ile619Asn (NM_001410871.1, NM_022068.4); short protein forms I619N.
Identifiers: ClinVar variation 2501356 (VCV002501356.1), dbSNP rs2510749047, ClinGen allele CA401922858.